The following is an entry in ClinVar:

NM_000038.6(APC):c.3225T>A (p.Tyr1075Ter)

Gene: APC (APC regulator of Wnt signaling pathway; plus strand). Cytogenetic location: 5q22.2.
Variant type: single nucleotide variant.
Coding change: c.3225T>A on transcript NM_000038.6 (MANE Select); coding-DNA position 3225, T replaced by A.
Protein change: p.Tyr1075Ter; replaces tyrosine 1075 with a stop codon.
Molecular consequence: nonsense.
Genome position (GRCh38, 1-based): chr5:112,838,819, T>A. VCF-style: chr5-112838819-T-A. GRCh37 (hg19) VCF-style: chr5-112174516-T-A.
Other names: c.3225T>A, p.Tyr1075Ter (NM_001127510.3, NM_001354895.2); c.3171T>A, p.Tyr1057Ter (NM_001127511.3); c.3279T>A, p.Tyr1093Ter (NM_001354896.2); c.3255T>A, p.Tyr1085Ter (NM_001354897.2); c.3150T>A, p.Tyr1050Ter (NM_001354898.2); c.3141T>A, p.Tyr1047Ter (NM_001354899.2); c.3102T>A, p.Tyr1034Ter (NM_001354900.2); c.3048T>A, p.Tyr1016Ter (NM_001354901.2); and 5 more; short protein forms Y792*, Y1016*, Y1075*, Y1085*, Y915*, Y949*, Y974*, Y1034*.
Identifiers: ClinVar variation 845025 (VCV000845025.13), dbSNP rs768123840, ClinGen allele CA16028408.

ClinVar aggregate classification (germline): Pathogenic. Review status: criteria provided, multiple submitters, no conflicts (2 of 4 stars). 3 submissions from 3 submitters: Pathogenic (3). Last evaluated 2024-12-30.

Conditions:
Hereditary cancer-predisposing syndrome. Also called: Tumor predisposition; Hereditary neoplastic syndrome; Neoplastic Syndromes, Hereditary; Hereditary Cancer Syndrome. Identifiers: Orphanet 140162, MedGen C0027672, MeSH D009386, MONDO:0015356.
Familial adenomatous polyposis 1 (FAP1). Also called: FAMILIAL ADENOMATOUS POLYPOSIS 1, ATTENUATED; POLYPOSIS, ADENOMATOUS INTESTINAL. Identifiers: MedGen C2713442, MONDO:0021056, OMIM 175100. Disease mechanism: loss of function.

gnomAD v4.1: 1 of 1,614,144 alleles (0.000062%); no homozygotes.

Submissions (3):

Ambry Genetics
Classification: Pathogenic for Hereditary cancer-predisposing syndrome. Last evaluated: 2024-12-30. Review status: criteria provided, single submitter. Criteria: Ambry Variant Classification Scheme 2023. Collection method: clinical testing. Allele origin: germline.
Comment: The p.Y1075* pathogenic mutation (also known as c.3225T>A), located in coding exon 15 of the APC gene, results from a T to A substitution at nucleotide position 3225. This changes the amino acid from a tyrosine to a stop codon within coding exon 15. This alteration occurs at the 3' terminus of theAPC gene, is not expected to trigger nonsense-mediated mRNA decay, and impacts the last 62% of the protein. However, premature stop codons are typically deleterious in nature and a significant portion of the protein is affected (Ambry internal data). This alteration was identified in multiple individuals diagnosed with familial adenomatous polyposis (FAP) (Won YJ et al. J Hum Genet, 1999;44:103-8; Plawski A et al. J Appl Genet, 2008;49:407-14). This variant is considered to be rare based on population cohorts in the Genome Aggregation Database (gnomAD). Based on the supporting evidence, this variant is interpreted as a disease-causing mutation.

Labcorp Genetics (formerly Invitae), Labcorp
Classification: Pathogenic for Familial adenomatous polyposis 1. Last evaluated: 2024-08-15. Review status: criteria provided, single submitter. Criteria: Invitae Variant Classification Sherloc (09022015). Collection method: clinical testing. Allele origin: germline.
Comment: This sequence change creates a premature translational stop signal (p.Tyr1075*) in the APC gene. While this is not anticipated to result in nonsense mediated decay, it is expected to disrupt the last 1769 amino acid(s) of the APC protein. This variant is not present in population databases (gnomAD no frequency). This premature translational stop signal has been observed in individuals with familial adenomatous polyposis (FAP) (PMID: 10083733, 14961559, 19029688, 20685668). ClinVar contains an entry for this variant (Variation ID: 845025). This variant is expected to disrupt the EB1 and HDLG binding sites, which mediate interactions with the cytoskeleton (PMID: 15311282, 17293347). While functional studies have not been performed to directly test the effect on APC protein function, this suggests that disruption of the C-terminal portion of the protein is functionally important. A different truncation (p.Tyr2645Lysfs*14) that lies downstream of this variant has been determined to be pathogenic (PMID: 9824584, 1316610, 27081525, 8381579, 22135120, Invitae). This suggests that deletion of this region of the APC protein is causative of disease. For these reasons, this variant has been classified as Pathogenic.

Myriad Genetics, Inc.
Classification: Pathogenic for Familial adenomatous polyposis 1. Last evaluated: 2023-05-08. Review status: criteria provided, single submitter. Criteria: Myriad Autosomal Dominant, Autosomal Recessive and X-Linked Classification Criteria (2023). Collection method: clinical testing. Allele origin: unknown.
Comment: This variant is considered pathogenic. This variant creates a termination codon and is predicted to result in premature protein truncation.

Literature cited by the submitters: PubMed 10083733 (cited by Ambry Genetics and Labcorp Genetics (formerly Invitae), Labcorp); PubMed 19029688 (cited by Ambry Genetics and Labcorp Genetics (formerly Invitae), Labcorp); PubMed 14961559 (cited by Labcorp Genetics (formerly Invitae), Labcorp); PubMed 20685668 (cited by Labcorp Genetics (formerly Invitae), Labcorp); PubMed 15311282 (cited by Labcorp Genetics (formerly Invitae), Labcorp); PubMed 17293347 (cited by Labcorp Genetics (formerly Invitae), Labcorp); PubMed 9824584 (cited by Labcorp Genetics (formerly Invitae), Labcorp); PubMed 1316610 (cited by Labcorp Genetics (formerly Invitae), Labcorp); PubMed 27081525 (cited by Labcorp Genetics (formerly Invitae), Labcorp); PubMed 8381579 (cited by Labcorp Genetics (formerly Invitae), Labcorp); PubMed 22135120 (cited by Labcorp Genetics (formerly Invitae), Labcorp).